The following is an entry in ClinVar:

NM_022124.6(CDH23):c.3220+1G>T

Gene: CDH23 (cadherin related 23; plus strand). Cytogenetic location: 10q22.1.
Variant type: single nucleotide variant.
Coding change: c.3220+1G>T on transcript NM_022124.6 (MANE Select); the canonical splice donor site of the intron after coding-DNA position 3220, G replaced by T.
Molecular consequence: splice donor variant.
Genome position (GRCh38, 1-based): chr10:71,709,212, G>T. VCF-style: chr10-71709212-G-T. GRCh37 (hg19) VCF-style: chr10-73468969-G-T.
Other names: c.3220+1G>T (NM_001171930.2).
Identifiers: ClinVar variation 1515317 (VCV001515317.6), dbSNP rs1487026359, ClinGen allele CA377143466.

ClinVar aggregate classification (germline): Likely pathogenic (1 of 4 stars; one submission).

Allele frequency attached by ClinVar (database versions not stated): gnomAD exomes below 0.00001.
gnomAD v4.1: 1 of 1,612,822 alleles (0.000062%); highest among the groups gnomAD compares: East Asian, 0.0022%; no homozygotes.

Submission:

Labcorp Genetics (formerly Invitae), Labcorp
Classification: Likely pathogenic. Last evaluated: 2021-12-02. Review status: criteria provided, single submitter. Criteria: Invitae Variant Classification Sherloc (09022015). Collection method: clinical testing. Allele origin: germline.
Comment: In summary, the currently available evidence indicates that the variant is pathogenic, but additional data are needed to prove that conclusively. Therefore, this variant has been classified as Likely Pathogenic. Algorithms developed to predict the effect of sequence changes on RNA splicing suggest that this variant may disrupt the consensus splice site. This variant has not been reported in the literature in individuals affected with CDH23-related conditions. This variant is not present in population databases (gnomAD no frequency). This sequence change affects a donor splice site in intron 27 of the CDH23 gene. It is expected to disrupt RNA splicing. Variants that disrupt the donor or acceptor splice site typically lead to a loss of protein function (PMID: 16199547), and loss-of-function variants in CDH23 are known to be pathogenic (PMID: 11138009, 21940737).

Literature cited by the submitters: PubMed 16199547; PubMed 11138009; PubMed 21940737.